The following is an entry in ClinVar:

NM_001365276.2(TNXB):c.6578C>T (p.Ala2193Val)

Gene: TNXB (tenascin XB; minus strand). Cytogenetic location: 6p21.33.
Variant type: single nucleotide variant.
Coding change: c.6578C>T on transcript NM_001365276.2 (MANE Select); coding-DNA position 6578, C replaced by T.
Protein change: p.Ala2193Val; replaces alanine 2193 with valine.
Molecular consequence: missense variant.
Genome position (GRCh38, 1-based): chr6:32,065,084, G>A on the plus strand (C>T on the coding strand, the complement: TNXB is on the minus strand). VCF-style: chr6-32065084-G-A. GRCh37 (hg19) VCF-style: chr6-32032861-G-A.
Other names: p.Ala2193Val; c.7319C>T, p.Ala2440Val (NM_001428335.1); c.6578C>T, p.Ala2193Val (NM_019105.8); short protein forms A2440V, A2193V.
Identifiers: ClinVar variation 4541140 (VCV004541140.1).

ClinVar aggregate classification (germline): Uncertain significance (1 of 4 stars; one submission).

Submission:

Mayo Clinic Laboratories, Mayo Clinic
Classification: Uncertain significance. Last evaluated: 2025-08-30. Review status: criteria provided, single submitter. Criteria: ACMG Guidelines, 2015. Collection method: clinical testing. Allele origin: germline. Observed: 1 variant allele.
Comment: BP4_moderate, PM2_supporting